The following is an entry in ClinVar:

ClinVar aggregate classification (germline): Uncertain significance (1 of 4 stars; one submission).

Conditions:
Deficiency of butyryl-CoA dehydrogenase (ACADSD). Also called: SCADH DEFICIENCY; ACYL-CoA DEHYDROGENASE, SHORT-CHAIN, DEFICIENCY OF; SCAD DEFICIENCY, MILD; SCAD Deficiency; ACADS DEFICIENCY; Short-Chain Acyl-CoA Dehydrogenase Deficiency. Identifiers: Orphanet 26792, MedGen C0342783, MONDO:0008722, OMIM 201470. Disease mechanism: May be benign.

Allele frequency attached by ClinVar (database versions not stated): gnomAD exomes below 0.00001; ExAC 0.00001; gnomAD 0.00001.
gnomAD v4.1: 2 of 1,612,868 alleles (0.00012%); no homozygotes.

Submission:

Labcorp Genetics (formerly Invitae), Labcorp
Classification: Uncertain significance for Deficiency of butyryl-CoA dehydrogenase. Last evaluated: 2021-03-11. Review status: criteria provided, single submitter. Criteria: Invitae Variant Classification Sherloc (09022015). Collection method: clinical testing. Allele origin: germline.
Comment: In summary, the available evidence is currently insufficient to determine the role of this variant in disease. Therefore, it has been classified as a Variant of Uncertain Significance. Advanced modeling of protein sequence and biophysical properties (such as structural, functional, and spatial information, amino acid conservation, physicochemical variation, residue mobility, and thermodynamic stability) performed at Invitae indicates that this missense variant is expected to disrupt ACADS protein function. This variant has not been reported in the literature in individuals with ACADS-related conditions. This variant is present in population databases (rs773646063, ExAC 0.02%). This sequence change replaces isoleucine with asparagine at codon 390 of the ACADS protein (p.Ile390Asn). The isoleucine residue is highly conserved and there is a large physicochemical difference between isoleucine and asparagine.

NM_000017.4(ACADS):c.1169T>A (p.Ile390Asn)

Gene: ACADS (acyl-CoA dehydrogenase short chain; plus strand). Cytogenetic location: 12q24.31.
Variant type: single nucleotide variant.
Coding change: c.1169T>A on transcript NM_000017.4 (MANE Select); coding-DNA position 1169, T replaced by A.
Protein change: p.Ile390Asn; replaces isoleucine 390 with asparagine.
Molecular consequence: missense variant.
Genome position (GRCh38, 1-based): chr12:120,739,378, T>A. VCF-style: chr12-120739378-T-A. GRCh37 (hg19) VCF-style: chr12-121177181-T-A.
Other names: c.1157T>A, p.Ile386Asn (NM_001302554.2); short protein forms I386N, I390N.
Identifiers: ClinVar variation 1378281 (VCV001378281.8), dbSNP rs773646063, ClinGen allele CA6831231.